The following is an entry in ClinVar:

NM_198578.4(LRRK2):c.4514T>C (p.Ile1505Thr)

Gene: LRRK2 (leucine rich repeat kinase 2; plus strand). Cytogenetic location: 12q12.
Variant type: single nucleotide variant.
Coding change: c.4514T>C on transcript NM_198578.4 (MANE Select); coding-DNA position 4514, T replaced by C.
Protein change: p.Ile1505Thr; replaces isoleucine 1505 with threonine.
Molecular consequence: missense variant.
Genome position (GRCh38, 1-based): chr12:40,310,627, T>C. VCF-style: chr12-40310627-T-C. GRCh37 (hg19) VCF-style: chr12-40704429-T-C.
Other names: short protein forms I1505T.
Identifiers: ClinVar variation 1741154 (VCV001741154.2), dbSNP rs2499828479, ClinGen allele CA384418667.
Genomic context (GRCh38, chr12:40,310,627, plus strand): 5'-ACCACTTTGTGAATGCCACCGAGGAATCTGATGCTTTGGCAAAACTTCGGAAAACCATCA[T>C]AAACGAGAGCCTTAATTTCAAGGTAACATGGTAGGCTGGTAGAGAAATGTAATTTATTGA-3'
Protein context (NP_940980.4, residues 1495-1515): DALAKLRKTI[Ile1505Thr]NESLNFKIRD

ClinVar aggregate classification (germline): Uncertain significance (1 of 4 stars; one submission).

Conditions:
Inborn genetic diseases. Identifiers: MedGen C0950123, MeSH D030342.

Submission:

Ambry Genetics
Classification: Uncertain significance for Inborn genetic diseases. Last evaluated: 2022-07-29. Review status: criteria provided, single submitter. Criteria: Ambry Variant Classification Scheme 2023. Collection method: clinical testing. Allele origin: germline.
Comment: The p.I1505T variant (also known as c.4514T>C), located in coding exon 31 of the LRRK2 gene, results from a T to C substitution at nucleotide position 4514. The isoleucine at codon 1505 is replaced by threonine, an amino acid with similar properties. This amino acid position is conserved. In addition, the in silico prediction for this alteration is inconclusive. Since supporting evidence is limited at this time, the clinical significance of this alteration remains unclear.